The following is an entry in ClinVar:

ClinVar aggregate classification (germline): Uncertain significance (1 of 4 stars; one submission).

Conditions:
Glycine encephalopathy. Also called: Nonketotic hyperglycinemia; Non-ketotic hyperglycinemia. Identifiers: Orphanet 407, MedGen C0751748, MONDO:0011612, HP:0008288.

gnomAD v4.1: 1 of 1,596,322 alleles (0.000063%); highest among the groups gnomAD compares: Non-Finnish European, 0.000085%; no homozygotes.

Submission:

Labcorp Genetics (formerly Invitae), Labcorp
Classification: Uncertain significance for Glycine encephalopathy. Last evaluated: 2023-05-09. Review status: criteria provided, single submitter. Criteria: Invitae Variant Classification Sherloc (09022015). Collection method: clinical testing. Allele origin: germline.
Comment: In summary, the available evidence is currently insufficient to determine the role of this variant in disease. Therefore, it has been classified as a Variant of Uncertain Significance. Advanced modeling of protein sequence and biophysical properties (such as structural, functional, and spatial information, amino acid conservation, physicochemical variation, residue mobility, and thermodynamic stability) performed at Invitae indicates that this missense variant is not expected to disrupt GLDC protein function. ClinVar contains an entry for this variant (Variation ID: 2101214). This variant has not been reported in the literature in individuals affected with GLDC-related conditions. This variant is not present in population databases (gnomAD no frequency). This sequence change replaces arginine, which is basic and polar, with proline, which is neutral and non-polar, at codon 65 of the GLDC protein (p.Arg65Pro).

NM_000170.3(GLDC):c.194G>C (p.Arg65Pro)

Gene: GLDC (glycine decarboxylase; minus strand). Cytogenetic location: 9p24.1.
Variant type: single nucleotide variant.
Coding change: c.194G>C on transcript NM_000170.3 (MANE Select); coding-DNA position 194, G replaced by C.
Protein change: p.Arg65Pro; replaces arginine 65 with proline.
Molecular consequence: missense variant.
Genome position (GRCh38, 1-based): chr9:6,645,306, C>G on the plus strand (G>C on the coding strand, the complement: GLDC is on the minus strand). VCF-style: chr9-6645306-C-G. GRCh37 (hg19) VCF-style: chr9-6645306-C-G.
Other names: short protein forms R65P.
Identifiers: ClinVar variation 2101214 (VCV002101214.2), dbSNP rs753246480, ClinGen allele CA372886575.